The following is an entry in ClinVar:

NM_000431.4(MVK):c.748G>A (p.Val250Ile)

Gene: MVK (mevalonate kinase; plus strand). Cytogenetic location: 12q24.11.
Variant type: single nucleotide variant.
Coding change: c.748G>A on transcript NM_000431.4 (MANE Select); coding-DNA position 748, G replaced by A.
Protein change: p.Val250Ile; replaces valine 250 with isoleucine.
Molecular consequence: missense variant.
Genome position (GRCh38, 1-based): chr12:109,590,841, G>A. VCF-style: chr12-109590841-G-A. GRCh37 (hg19) VCF-style: chr12-110028646-G-A.
Other names: c.748G>A, p.Val250Ile (NM_001114185.3); c.592G>A, p.Val198Ile (NM_001301182.2); short protein forms V250I, V198I.
Identifiers: ClinVar variation 97616 (VCV000097616.5), dbSNP rs104895339, ClinGen allele CA149887.
Genomic context (GRCh38, chr12:109,590,841, plus strand): 5'-CTCCAGATCCTGCTGACCAACACCAAAGTCCCTCGCAATACCAGGGCCCTTGTGGCTGGC[G>A]TCAGAAACAGGCTGCTCAAGGTGACTCTTGTTCCCTTCTTGGGCAGGTTTCAGGAAGGCC-3'
Protein context (NP_000422.1, residues 240-260): PRNTRALVAG[Val250Ile]RNRLLKFPEI

ClinVar aggregate classification (germline): Likely pathogenic. Review status: criteria provided, single submitter (1 of 4 stars). 2 submissions from 2 submitters: Likely pathogenic (1). 1 of the submissions does not count toward it. Last evaluated 2025-12-21.

Conditions:
Mevalonic aciduria (MEVA). Identifiers: Orphanet 29, MedGen C1959626, MONDO:0012481, OMIM 610377.
Porokeratosis 3, disseminated superficial actinic type (POROK3). Also called: POROKERATOSIS 3, MULTIPLE TYPES; POROKERATOSIS 3, MIBELLI TYPE; POROKERATOSIS, DISSEMINATED SUPERFICIAL ACTINIC, 1. Identifiers: MedGen C1867981, MONDO:0008293, OMIM 175900.
Hyperimmunoglobulin D with periodic fever (HIDS). Also called: HYPERIMMUNOGLOBULINEMIA D AND PERIODIC FEVER SYNDROME; Hyperimmunoglobulinemia D; Hyperimmunoglobulinemia D with periodic fever. Identifiers: Orphanet 343, MedGen C0398691, MONDO:0009849, OMIM 260920.

Allele frequency attached by ClinVar (database versions not stated): gnomAD exomes 0.00001 and 0.00002; ExAC 0.00003; TOPMed 0.00004; ESP Exome Variant Server 0.00008.
gnomAD v4.1: 21 of 1,614,046 alleles (0.0013%); highest among the groups gnomAD compares: East Asian, 0.0045%; no homozygotes.

Submissions (2):

Labcorp Genetics (formerly Invitae), Labcorp
Classification: Likely pathogenic for Mevalonic aciduria; Hyperimmunoglobulin D with periodic fever; Porokeratosis 3, disseminated superficial actinic type. Last evaluated: 2025-12-21. Review status: criteria provided, single submitter. Criteria: Invitae Variant Classification Sherloc (09022015). Collection method: clinical testing. Allele origin: germline.
Comment: This sequence change replaces valine, which is neutral and non-polar, with isoleucine, which is neutral and non-polar, at codon 250 of the MVK protein (p.Val250Ile). This variant is present in population databases (rs104895339, gnomAD 0.02%). This missense change has been observed in individual(s) with autosomal recessive mevalonate kinase deficiency (PMID: 15536479, 39052144; internal data). In at least one individual the data is consistent with being in trans (on the opposite chromosome) from a pathogenic variant. ClinVar contains an entry for this variant (Variation ID: 97616). Invitae Evidence Modeling of protein sequence and biophysical properties (such as structural, functional, and spatial information, amino acid conservation, physicochemical variation, residue mobility, and thermodynamic stability) indicates that this missense variant is expected to disrupt MVK protein function with a positive predictive value of 95%. In summary, the currently available evidence indicates that the variant is pathogenic, but additional data are needed to prove that conclusively. Therefore, this variant has been classified as Likely Pathogenic.

Unité médicale des maladies autoinflammatoires, CHRU Montpellier
No classification provided. Condition: Hyperimmunoglobulin D with periodic fever. Review status: no classification provided. Collection method: not provided. Allele origin: unknown. Not counted in ClinVar's aggregate classification.
Comment: also involved in OMIM 25117

Literature cited by the submitters: PubMed 15536479 (cited by Labcorp Genetics (formerly Invitae), Labcorp); PubMed 39052144 (cited by Labcorp Genetics (formerly Invitae), Labcorp).